The following is an entry in ClinVar:

ClinVar aggregate classification (germline): Uncertain significance. Review status: criteria provided, multiple submitters, no conflicts (2 of 4 stars). 3 submissions from 3 submitters: Uncertain significance (3). Last evaluated 2022-05-26.

Conditions:
Combined immunodeficiency due to LRBA deficiency. Also called: Common variable immunodeficiency 8, with autoimmunity. Identifiers: Orphanet 445018, MedGen C3553512, MONDO:0013863, OMIM 614700.

gnomAD v4.1: 13 of 1,614,152 alleles (0.00081%); highest among the groups gnomAD compares: Middle Eastern, 0.082%; no homozygotes.

Submissions (3):

Blueprint Genetics
Classification: Uncertain significance. Last evaluated: 2022-05-26. Review status: criteria provided, single submitter. Criteria: ACMG Guidelines, 2015. Collection method: clinical testing. Allele origin: germline.

Labcorp Genetics (formerly Invitae), Labcorp
Classification: Uncertain significance for Combined immunodeficiency due to LRBA deficiency. Last evaluated: 2021-09-01. Review status: criteria provided, single submitter. Criteria: Invitae Variant Classification Sherloc (09022015). Collection method: clinical testing. Allele origin: germline.
Comment: This sequence change replaces phenylalanine with leucine at codon 2763 of the LRBA protein (p.Phe2763Leu). The phenylalanine residue is moderately conserved and there is a small physicochemical difference between phenylalanine and leucine. This variant is not present in population databases (ExAC no frequency). This variant has not been reported in the literature in individuals affected with LRBA-related conditions. Algorithms developed to predict the effect of missense changes on protein structure and function are either unavailable or do not agree on the potential impact of this missense change (SIFT: "Tolerated"; PolyPhen-2: "Probably Damaging"; Align-GVGD: "Class C0"). In summary, the available evidence is currently insufficient to determine the role of this variant in disease. Therefore, it has been classified as a Variant of Uncertain Significance.

CENTOGENE GmbH and LLC - Guiding Precision Medicine
Classification: Uncertain significance for Combined immunodeficiency due to LRBA deficiency. Last evaluated: 2020-05-13. Review status: criteria provided, single submitter. Criteria: ACMG Guidelines, 2015. Collection method: clinical testing. Allele origin: germline. Affected: yes.

NM_001364905.1(LRBA):c.8256C>A (p.Phe2752Leu)

Gene: LRBA (LPS responsive beige-like anchor protein; minus strand). Cytogenetic location: 4q31.3.
Variant type: single nucleotide variant.
Coding change: c.8256C>A on transcript NM_001364905.1 (MANE Select); coding-DNA position 8256, C replaced by A.
Protein change: p.Phe2752Leu; replaces phenylalanine 2752 with leucine.
Molecular consequence: missense variant.
Genome position (GRCh38, 1-based): chr4:150,282,510, G>T on the plus strand (C>A on the coding strand, the complement: LRBA is on the minus strand). VCF-style: chr4-150282510-G-T. GRCh37 (hg19) VCF-style: chr4-151203662-G-T.
Other names: c.8253C>A, p.Phe2751Leu (NM_001199282.3); c.8271C>A, p.Phe2757Leu (NM_001367550.1); c.8289C>A, p.Phe2763Leu (NM_006726.5); short protein forms F2763L, F2752L, F2757L, F2751L.
Identifiers: ClinVar variation 646701 (VCV000646701.10), dbSNP rs773001726, ClinGen allele CA358440043.
Genomic context (GRCh38, chr4:150,282,510, plus strand): 5'-TCTTATGTTATCATCTGTTTCCATCGTGGCCTGGAGTTTTCCATTCACACTGAATGTACA[G>T]AAGAGGCCGTTTTCATAGAATATGACACAATGACCCTCTCTTGAAGCCTGAATGAGTTTT-3'
Protein context (NP_001351834.1, residues 2742-2762): HCVIFYENGL[Phe2752Leu]CTFSVNGKLQ